The following is an entry in ClinVar:

ClinVar aggregate classification (germline): Uncertain significance (1 of 4 stars; one submission).

gnomAD v4.1: 2 of 1,614,150 alleles (0.00012%); highest among the groups gnomAD compares: South Asian, 0.0011%; no homozygotes.

Submission:

Ambry Genetics
Classification: Uncertain significance. Last evaluated: 2023-07-13. Review status: criteria provided, single submitter. Criteria: Ambry Variant Classification Scheme 2023. Collection method: clinical testing. Allele origin: germline.
Comment: The p.R102T variant (also known as c.305G>C), located in coding exon 5 of the RAD54L gene, results from a G to C substitution at nucleotide position 305. The arginine at codon 102 is replaced by threonine, an amino acid with similar properties. This amino acid position is conserved. In addition, this alteration is predicted to be tolerated by in silico analysis. Since supporting evidence is limited at this time, the clinical significance of this alteration remains unclear.

NM_003579.4(RAD54L):c.305G>C (p.Arg102Thr)

Gene: RAD54L (RAD54 like; plus strand). Cytogenetic location: 1p34.1.
Variant type: single nucleotide variant.
Coding change: c.305G>C on transcript NM_003579.4 (MANE Select); coding-DNA position 305, G replaced by C.
Protein change: p.Arg102Thr; replaces arginine 102 with threonine.
Molecular consequence: missense variant. On other transcripts: 5 prime UTR variant (1).
Genome position (GRCh38, 1-based): chr1:46,259,997, G>C. VCF-style: chr1-46259997-G-C. GRCh37 (hg19) VCF-style: chr1-46725669-G-C.
Other names: c.305G>C, p.Arg102Thr (NM_001142548.2); c.-236G>C (NM_001370766.1); short protein forms R102T.
Identifiers: ClinVar variation 2619990 (VCV002619990.2), dbSNP rs765591007, ClinGen allele CA340181860.